The following is an entry in ClinVar:

ClinVar aggregate classification (germline): Uncertain significance (1 of 4 stars; one submission).

Conditions:
Primary ciliary dyskinesia. Also called: Ciliary dyskinesia. Identifiers: Orphanet 244, MedGen C0008780, MONDO:0016575, HP:0012265.

Allele frequency attached by ClinVar (database versions not stated): gnomAD 0.00001; TOPMed 0.00001; gnomAD exomes below 0.00001; ExAC 0.00001.
gnomAD v4.1: 3 of 1,614,082 alleles (0.00019%); highest among the groups gnomAD compares: Admixed American, 0.0017%; no homozygotes.

Submission:

Labcorp Genetics (formerly Invitae), Labcorp
Classification: Uncertain significance for Primary ciliary dyskinesia. Last evaluated: 2023-12-11. Review status: criteria provided, single submitter. Criteria: Invitae Variant Classification Sherloc (09022015). Collection method: clinical testing. Allele origin: germline.
Comment: This sequence change replaces aspartic acid, which is acidic and polar, with alanine, which is neutral and non-polar, at codon 2311 of the DNAH5 protein (p.Asp2311Ala). This variant is present in population databases (rs754787543, gnomAD 0.0009%). This variant has not been reported in the literature in individuals affected with DNAH5-related conditions. ClinVar contains an entry for this variant (Variation ID: 1011030). Advanced modeling of protein sequence and biophysical properties (such as structural, functional, and spatial information, amino acid conservation, physicochemical variation, residue mobility, and thermodynamic stability) performed at Invitae indicates that this missense variant is expected to disrupt DNAH5 protein function with a positive predictive value of 95%. In summary, the available evidence is currently insufficient to determine the role of this variant in disease. Therefore, it has been classified as a Variant of Uncertain Significance.

NM_001369.3(DNAH5):c.6932A>C (p.Asp2311Ala)

Gene: DNAH5 (dynein axonemal heavy chain 5; minus strand). Cytogenetic location: 5p15.2.
Variant type: single nucleotide variant.
Coding change: c.6932A>C on transcript NM_001369.3 (MANE Select); coding-DNA position 6932, A replaced by C.
Protein change: p.Asp2311Ala; replaces aspartic acid 2311 with alanine.
Molecular consequence: missense variant.
Genome position (GRCh38, 1-based): chr5:13,817,604, T>G on the plus strand (A>C on the coding strand, the complement: DNAH5 is on the minus strand). VCF-style: chr5-13817604-T-G. GRCh37 (hg19) VCF-style: chr5-13817713-T-G.
Other names: short protein forms D2311A.
Identifiers: ClinVar variation 1011030 (VCV001011030.17), dbSNP rs754787543, ClinGen allele CA3203232.